The following is an entry in ClinVar:

NM_000277.3(PAH):c.1099dup (p.Leu367fs)

Gene: PAH (phenylalanine hydroxylase; minus strand). Cytogenetic location: 12q23.2.
Variant type: Duplication.
Coding change: c.1099dup on transcript NM_000277.3 (MANE Select); coding-DNA position 1099, one base duplicated (C; older notation c.1099dupC).
Protein change: p.Leu367fs; shifts the reading frame from leucine 367.
Molecular consequence: frameshift variant.
Genome position (GRCh38, 1-based): chr12:102,843,746, G duplicated on the plus strand (C on the coding strand, the reverse complement: PAH is on the minus strand); the first of 5 consecutive G bases (chr12:102,843,746-102,843,750); duplicating any one gives the same sequence. VCF-style (leftmost placement, unchanged base first): chr12-102843745-A-AG. GRCh37 (hg19) VCF-style: chr12-103237523-A-AG.
Other names: NM_000277.3(PAH):c.1099dup; p.Leu367fs; c.1099dup, p.Leu367fs (NM_001354304.2); short protein forms L367fs.
Identifiers: ClinVar variation 102522 (VCV000102522.4), dbSNP rs62506951, ClinGen allele CA229342.

ClinVar aggregate classification (germline): Pathogenic. Review status: reviewed by expert panel (3 of 4 stars). 5 submissions from 4 submitters: Pathogenic (1). 4 of the submissions do not count toward it. Last evaluated 2022-07-30.

Conditions:
PAH-related disorder. Also called: PAH-related condition.
Phenylketonuria (PKU). Also called: Phenylketonuria (PKU); FOLLING DISEASE; OLIGOPHRENIA PHENYLPYRUVICA; Phenylketonurias. Identifiers: Orphanet 716, MedGen C0031485, MONDO:0009861, OMIM 261600. Disease mechanism: loss of function.

Submissions (5):

ClinGen PAH Variant Curation Expert Panel
Classification: Pathogenic for Phenylketonuria. Last evaluated: 2022-07-30. Review status: reviewed by expert panel. Criteria: ClinGen PAH ACMG Specifications v1. Collection method: curation. Allele origin: germline. Inheritance: Autosomal recessive inheritance.
Comment: The frameshift variant c.1099dup (p.Leu367Profs*27) occurs in exon 11 of 13 and is predicted to result in NMD. The variant is found at an extremely low allele frequency of 0.000003980 overall in gnomAD with a MAF of 0.000008804 (1/113590) in the European population. One classical PKU patient has been reported (PMID: 16256386) with this variant in trans with Arg243Gln (ClinVar 591, Pathogenic by multiple submitters). In summary, this variant meets criteria to be classified as Pathogenic for PAH. PAH-specific ACMG/AMP criteria applied: PVS1, PM2, PM3_supporting, PP4.

Baylor Genetics
Classification: Pathogenic for Phenylketonuria. Last evaluated: 2023-06-06. Review status: criteria provided, single submitter. Criteria: ACMG Guidelines, 2015. Collection method: clinical testing. Allele origin: unknown. Not counted in ClinVar's aggregate classification.

Blueprint Genetics
Classification: Pathogenic for PAH-related disorders. Last evaluated: 2022-08-31. Review status: criteria provided, single submitter. Criteria: ACMG Guidelines, 2015. Collection method: clinical testing. Allele origin: germline. Affected: yes. Observed: 1 variant allele. Not counted in ClinVar's aggregate classification.

DeBelle Laboratory for Biochemical Genetics, MUHC/MCH RESEARCH INSTITUTE
No classification provided. Review status: no classification provided. Collection method: not provided. Allele origin: not provided. Not counted in ClinVar's aggregate classification.

DeBelle Laboratory for Biochemical Genetics, MUHC/MCH RESEARCH INSTITUTE
No classification provided. Review status: flagged submission. Collection method: not provided. Allele origin: not provided. Not counted in ClinVar's aggregate classification.
ClinVar note: Reason: This record appears to be redundant with a more recent record from the same submitter.
ClinVar note: Notes: SCV000119339 appears to be redundant with SCV000119340.